The following is an entry in ClinVar:

NM_002778.4(PSAP):c.11T>C (p.Leu4Pro)

Gene: PSAP (prosaposin; minus strand). Cytogenetic location: 10q22.1.
Variant type: single nucleotide variant.
Coding change: c.11T>C on transcript NM_002778.4 (MANE Select); coding-DNA position 11, T replaced by C.
Protein change: p.Leu4Pro; replaces leucine 4 with proline.
Molecular consequence: missense variant.
Genome position (GRCh38, 1-based): chr10:71,851,211, A>G on the plus strand (T>C on the coding strand, the complement: PSAP is on the minus strand). VCF-style: chr10-71851211-A-G. GRCh37 (hg19) VCF-style: chr10-73610968-A-G.
Other names: c.11T>C, p.Leu4Pro (NM_001042465.3, NM_001042466.3); short protein forms L4P.
Identifiers: ClinVar variation 1032847 (VCV001032847.8), dbSNP rs958206407, ClinGen allele CA209489443.
Genomic context (GRCh38, chr10:71,851,211, plus strand): 5'-TCCTCCCCAGGATGAGGGTCCCAGGGCTTACCCGCGCCCAGGAGGCTGGCCAGGAGGAAG[A>G]GGGCGTACATAGCGCCGTCTGACTCCGCAGTCTGCAATGCGGAGCGTCAGCTGATCCCCC-3'
Protein context (NP_002769.1, residues 1-14): MYA[Leu4Pro]FLLASLLGAA

ClinVar aggregate classification (germline): Uncertain significance. Review status: criteria provided, multiple submitters, no conflicts (2 of 4 stars). 4 submissions from 4 submitters: Uncertain significance (4). Last evaluated 2024-04-15.

Conditions:
Inborn genetic diseases. Identifiers: MedGen C0950123, MeSH D030342.
Sphingolipid activator protein 1 deficiency. Also called: METACHROMATIC LEUKODYSTROPHY DUE TO CEREBROSIDE SULFATASE ACTIVATOR DEFICIENCY; Saposin B Deficiency; Metachromatic leukodystrophy due to saposin B deficiency. Identifiers: Orphanet 512, MedGen C0268262, MONDO:0009590, OMIM 249900.
Combined PSAP deficiency (PSAPD). Also called: PROSAPOSIN DEFICIENCY; Encephalopathy due to prosaposin deficiency; COMBINED SAP DEFICIENCY. Identifiers: Orphanet 139406, MedGen C2673635, MONDO:0012719, OMIM 611721.

Allele frequency attached by ClinVar (database versions not stated): gnomAD exomes 0.00002; gnomAD 0.00003; TOPMed 0.00004.
gnomAD v4.1: 31 of 1,551,020 alleles (0.002%); highest among the groups gnomAD compares: Non-Finnish European, 0.0025%; no homozygotes.

Submissions (4):

Ambry Genetics
Classification: Uncertain significance for Inborn genetic diseases. Last evaluated: 2024-04-15. Review status: criteria provided, single submitter. Criteria: Ambry Variant Classification Scheme 2023. Collection method: clinical testing. Allele origin: germline.

Labcorp Genetics (formerly Invitae), Labcorp
Classification: Uncertain significance for Sphingolipid activator protein 1 deficiency. Last evaluated: 2022-05-18. Review status: criteria provided, single submitter. Criteria: Invitae Variant Classification Sherloc (09022015). Collection method: clinical testing. Allele origin: germline.
Comment: This sequence change replaces leucine, which is neutral and non-polar, with proline, which is neutral and non-polar, at codon 4 of the PSAP protein (p.Leu4Pro). This variant is present in population databases (no rsID available, gnomAD 0.006%). This variant has not been reported in the literature in individuals affected with PSAP-related conditions. ClinVar contains an entry for this variant (Variation ID: 1032847). Algorithms developed to predict the effect of missense changes on protein structure and function are either unavailable or do not agree on the potential impact of this missense change (SIFT: "Not Available"; PolyPhen-2: "Benign"; Align-GVGD: "Not Available"). In summary, the available evidence is currently insufficient to determine the role of this variant in disease. Therefore, it has been classified as a Variant of Uncertain Significance.

GeneDx
Classification: Uncertain significance. Last evaluated: 2019-10-24. Review status: criteria provided, single submitter. Criteria: GeneDx Variant Classification Process June 2021. Collection method: clinical testing. Allele origin: germline. Affected: yes.
Comment: Not observed at a significant frequency in large population cohorts (Lek et al., 2016); In silico analysis, which includes protein predictors and evolutionary conservation, supports a deleterious effect; Has not been previously published as pathogenic or benign to our knowledge

Baylor Genetics
Classification: Uncertain significance for Combined PSAP deficiency. Last evaluated: 2018-04-13. Review status: criteria provided, single submitter. Criteria: ACMG Guidelines, 2015. Collection method: clinical testing. Allele origin: paternal. Affected: yes.
Comment: This variant was determined to be of uncertain significance according to ACMG Guidelines, 2015 [PMID:25741868].